The following is an entry in ClinVar:

ClinVar aggregate classification (germline): Uncertain significance (1 of 4 stars; one submission).

gnomAD v4.1: 1 of 1,585,746 alleles (0.000063%); highest among the groups gnomAD compares: Non-Finnish European, 0.000086%; no homozygotes.

Submission:

Ambry Genetics
Classification: Uncertain significance. Last evaluated: 2025-05-19. Review status: criteria provided, single submitter. Criteria: Ambry Variant Classification Scheme 2023. Collection method: clinical testing. Allele origin: germline.
Comment: The p.V231M variant (also known as c.691G>A), located in coding exon 5 of the ATRIP gene, results from a G to A substitution at nucleotide position 691. The valine at codon 231 is replaced by methionine, an amino acid with highly similar properties. This amino acid position is conserved. In addition, this alteration is predicted to be tolerated by in silico analysis. Based on the available evidence, the clinical significance of this variant remains unclear.

NM_130384.3(ATRIP):c.691G>A (p.Val231Met)

Genes: ATRIP (ATR interacting protein; plus strand), ATRIP-TREX1 (ATRIP-TREX1 readthrough; plus strand). Cytogenetic location: 3p21.31.
Variant type: single nucleotide variant.
Coding change: c.691G>A on transcript NM_130384.3 (MANE Select); coding-DNA position 691, G replaced by A.
Protein change: p.Val231Met; replaces valine 231 with methionine.
Molecular consequence: missense variant. On other transcripts: non-coding transcript variant (1).
Genome position (GRCh38, 1-based): chr3:48,457,278, G>A. VCF-style: chr3-48457278-G-A. GRCh37 (hg19) VCF-style: chr3-48498678-G-A.
Other names: c.310G>A, p.Val104Met (NM_001271022.2); c.412G>A, p.Val138Met (NM_001271023.2); c.691G>A, p.Val231Met (NM_032166.4); short protein forms V231M, V138M, V104M.
Identifiers: ClinVar variation 3976641 (VCV003976641.1).